The following is an entry in ClinVar:

NM_001292063.2(OTOG):c.1594C>T (p.Arg532Cys)

Gene: OTOG (otogelin; plus strand). Cytogenetic location: 11p15.1.
Variant type: single nucleotide variant.
Coding change: c.1594C>T on transcript NM_001292063.2 (MANE Select); coding-DNA position 1594, C replaced by T.
Protein change: p.Arg532Cys; replaces arginine 532 with cysteine.
Molecular consequence: missense variant.
Genome position (GRCh38, 1-based): chr11:17,561,757, C>T. VCF-style: chr11-17561757-C-T. GRCh37 (hg19) VCF-style: chr11-17583304-C-T.
Other names: c.1630C>T, p.Arg544Cys (NM_001277269.2); short protein forms R532C, R544C.
Identifiers: ClinVar variation 1206549 (VCV001206549.8), dbSNP rs758092389, ClinGen allele CA5905507.
Genomic context (GRCh38, chr11:17,561,757, plus strand): 5'-ACCTTTGATGGCCGCCGGTACACGTTCCCCGCCACATGTCAGTACATCCTGGCCAAGAGC[C>T]GCTCTTCGGGCACCTTCACCGTGACATTGCAGAATGCCCCATGTGGCCTGGTAAGAGCTG-3'
Protein context (NP_001278992.1, residues 522-542): ATCQYILAKS[Arg532Cys]SSGTFTVTLQ

ClinVar aggregate classification (germline): Uncertain significance. Review status: criteria provided, multiple submitters, no conflicts (2 of 4 stars). 2 submissions from 2 submitters: Uncertain significance (2). Last evaluated 2025-09-25.

Allele frequency attached by ClinVar (database versions not stated): ExAC 0.00006; gnomAD exomes 0.00007 and 0.00013; TOPMed 0.00009; gnomAD 0.00010 and 0.00011.
gnomAD v4.1: 189 of 1,550,418 alleles (0.012%); highest among the groups gnomAD compares: Non-Finnish European, 0.015%; no homozygotes.

Submissions (2):

GeneDx
Classification: Uncertain significance. Last evaluated: 2025-09-25. Review status: criteria provided, single submitter. Criteria: GeneDx Variant Classification Process June 2021. Collection method: clinical testing. Allele origin: germline. Affected: yes.
Comment: In silico analysis supports that this missense variant has a deleterious effect on protein structure/function; This variant is associated with the following publications: (PMID: 39161163)

Blueprint Genetics
Classification: Uncertain significance. Last evaluated: 2024-02-07. Review status: criteria provided, single submitter. Criteria: ACMG Guidelines, 2015. Collection method: clinical testing. Allele origin: germline.